The following is an entry in ClinVar:

NM_005591.4(MRE11):c.557A>G (p.Asp186Gly)

Gene: MRE11 (MRE11 double strand break repair nuclease; minus strand). Cytogenetic location: 11q21.
Variant type: single nucleotide variant.
Coding change: c.557A>G on transcript NM_005591.4 (MANE Select); coding-DNA position 557, A replaced by G.
Protein change: p.Asp186Gly; replaces aspartic acid 186 with glycine.
Molecular consequence: missense variant.
Genome position (GRCh38, 1-based): chr11:94,476,391, T>C on the plus strand (A>G on the coding strand, the complement: MRE11 is on the minus strand). VCF-style: chr11-94476391-T-C. GRCh37 (hg19) VCF-style: chr11-94209557-T-C.
Other names: c.557A>G, p.Asp186Gly (NM_001330347.2, NM_005590.4); short protein forms D186G.
Identifiers: ClinVar variation 3295821 (VCV003295821.1).
Genomic context (GRCh38, chr11:94,476,391, plus strand): 5'-TCTTCCTTTGGTCTCAACATTGTTACTTTTTTATTGACAAACATTCGATAGAGCCTTTCA[T>C]CTGGAATGGATCCTGAAATGGACATTACATTATTTTTAAATTGTTTTCTTACTTCGGCTT-3'
Protein context (NP_005582.1, residues 176-196): IALYGLGSIP[Asp186Gly]ERLYRMFVNK

ClinVar aggregate classification (germline): Uncertain significance (1 of 4 stars; one submission).

Conditions:
Hereditary cancer-predisposing syndrome. Also called: Tumor predisposition; Hereditary Cancer Syndrome; Hereditary neoplastic syndrome; Neoplastic Syndromes, Hereditary. Identifiers: Orphanet 140162, MedGen C0027672, MeSH D009386, MONDO:0015356.

Submission:

Ambry Genetics
Classification: Uncertain significance for Hereditary cancer-predisposing syndrome. Last evaluated: 2024-04-28. Review status: criteria provided, single submitter. Criteria: Ambry Variant Classification Scheme 2023. Collection method: clinical testing. Allele origin: germline.
Comment: The p.D186G variant (also known as c.557A>G), located in coding exon 6 of the MRE11A gene, results from an A to G substitution at nucleotide position 557. The aspartic acid at codon 186 is replaced by glycine, an amino acid with similar properties. This amino acid position is conserved. In addition, this alteration is predicted to be deleterious by in silico analysis. Based on the available evidence, the clinical significance of this variant remains unclear.